The following is an entry in ClinVar:

ClinVar aggregate classification (germline): Likely pathogenic (1 of 4 stars; one submission).

Submission:

Labcorp Genetics (formerly Invitae), Labcorp
Classification: Likely pathogenic. Last evaluated: 2023-12-14. Review status: criteria provided, single submitter. Criteria: Invitae Variant Classification Sherloc (09022015). Collection method: clinical testing. Allele origin: germline.
Comment: This variant results in a copy number gain of the genomic region encompassing exon(s) 4-6 of the CDH23 gene. While the exact position of this variant cannot be determined from the data, sub-genic copy number gains are generally in tandem (PMID: 25640679). This variant is predicted to be out-of-frame, and may result in an absent or disrupted protein product. Loss-of-function variants in CDH23 are known to be pathogenic (PMID: 11138009, 21940737). This variant has not been reported in the literature in individuals affected with CDH23-related conditions. In summary, the currently available evidence indicates that the variant is pathogenic, but additional data are needed to prove that conclusively. Therefore, this variant has been classified as Likely Pathogenic.

Literature cited by the submitters: PubMed 25640679; PubMed 11138009; PubMed 21940737.

NC_000010.10:g.(?_73269819)_(73270989_?)dup

Gene: CDH23 (cadherin related 23; plus strand). Cytogenetic location: 10q22.1.
Variant type: Duplication.
Identifiers: ClinVar variation 2426731 (VCV002426731.4).